The following is an entry in ClinVar:

ClinVar aggregate classification (germline): Pathogenic (1 of 4 stars; one submission).

Conditions:
PHIP-related disorder. Also called: PHIP-related disorders; PHIP-related condition.

Submission:

Labcorp Genetics (formerly Invitae), Labcorp
Classification: Pathogenic. Last evaluated: 2023-10-11. Review status: criteria provided, single submitter. Criteria: Invitae Variant Classification Sherloc (09022015). Collection method: clinical testing. Allele origin: germline.
Comment: This sequence change affects a splice site in intron 20 of the PHIP gene. It is expected to disrupt RNA splicing. Variants that disrupt the donor or acceptor splice site typically lead to a loss of protein function (PMID: 16199547), and loss-of-function variants in PHIP are known to be pathogenic (PMID: 27900362). This variant is not present in population databases (gnomAD no frequency). Disruption of this splice site has been observed in individual(s) with clinical features of PHIP-related conditions. (Invitae). In at least one individual the variant was observed to be de novo. ClinVar contains an entry for this variant (Variation ID: 684552). Algorithms developed to predict the effect of sequence changes on RNA splicing suggest that this variant may disrupt the consensus splice site. For these reasons, this variant has been classified as Pathogenic.

Literature cited by the submitters: PubMed 16199547 (cited by Labcorp Genetics (formerly Invitae), Labcorp); PubMed 27900362 (cited by Labcorp Genetics (formerly Invitae), Labcorp).

NM_017934.7(PHIP):c.2319+1del

Gene: PHIP (PHIP subunit of CUL4-Ring ligase complex; minus strand). Cytogenetic location: 6q14.1.
Variant type: Deletion.
Coding change: c.2319+1del on transcript NM_017934.7 (MANE Select); the canonical splice donor site of the intron after coding-DNA position 2319, one base deleted (G; older notation c.2319+1delG).
Molecular consequence: splice donor variant.
Genome position (GRCh38, 1-based): chr6:78,990,867, C deleted on the plus strand (G on the coding strand, the reverse complement: PHIP is on the minus strand); the first of 2 consecutive C bases (chr6:78,990,867-78,990,868); deleting either gives the same sequence. VCF-style (leftmost placement, unchanged base first): chr6-78990866-AC-A. GRCh37 (hg19) VCF-style: chr6-79700583-AC-A.
Identifiers: ClinVar variation 684552 (VCV000684552.11), dbSNP rs1582180665, ClinGen allele CA915944353.